The following is an entry in ClinVar:

ClinVar aggregate classification (germline): Pathogenic (1 of 4 stars; one submission).

Conditions:
Arrhythmogenic cardiomyopathy with wooly hair and keratoderma. Also called: PALMOPLANTAR KERATODERMA WITH LEFT VENTRICULAR CARDIOMYOPATHY AND WOOLLY HAIR; Carvajal syndrome; Dilated cardiomyopathy with woolly hair and keratoderma; Arrhythmogenic cardiomyopathy with woolly hair and keratoderma. Identifiers: Orphanet 65282, MedGen C1854063, MONDO:0011581, OMIM 605676.

Allele frequency attached by ClinVar (database versions not stated): gnomAD exomes below 0.00001.
gnomAD v4.1: 1 of 1,614,090 alleles (0.000062%); highest among the groups gnomAD compares: Non-Finnish European, 0.000085%; no homozygotes.

Submission:

All of Us Research Program, National Institutes of Health
Classification: Pathogenic for Arrhythmogenic cardiomyopathy with wooly hair and keratoderma. Last evaluated: 2024-02-05. Review status: criteria provided, single submitter. Criteria: ACMG Guidelines, 2015. Collection method: clinical testing. Allele origin: germline. Inheritance: Autosomal dominant inheritance. Observed: 1 variant allele, 1 heterozygote.
Comment: This variant changes 1 nucleotide in exon 23 of the DSP gene, creating a premature translation stop signal. This variant is expected to result in an absent or non-functional protein product. This variant has been reported in three individuals affected with arrhythmogenic cardiomyopathy (PMID: 32102357, 33313835, 36431211). This variant has been identified in 1/250888 chromosomes in the general population by the Genome Aggregation Database (gnomAD). Loss of DSP function is a known mechanism of disease. Based on the available evidence, this variant is classified as Pathogenic.

This study involves interpretation of variants in research participants for the purpose of population health screening. Participant phenotype was not available at the time of variant classification. Additional details can be found in publication PMID: 35346344, PMCID: PMC8962531

Literature cited by the submitters: PubMed 32102357; PubMed 33313835; PubMed 36431211.

NM_004415.4(DSP):c.3889C>T (p.Gln1297Ter)

Gene: DSP (desmoplakin; plus strand). Cytogenetic location: 6p24.3.
Variant type: single nucleotide variant.
Coding change: c.3889C>T on transcript NM_004415.4 (MANE Select); coding-DNA position 3889, C replaced by T.
Protein change: p.Gln1297Ter; replaces glutamine 1297 with a stop codon.
Molecular consequence: nonsense. On other transcripts: intron variant (1).
Genome position (GRCh38, 1-based): chr6:7,580,079, C>T. VCF-style: chr6-7580079-C-T. GRCh37 (hg19) VCF-style: chr6-7580312-C-T.
Other names: c.3889C>T, p.Gln1297Ter (NM_001319034.2); c.3582+307C>T (NM_001008844.3); short protein forms Q1297*.
Identifiers: ClinVar variation 3075399 (VCV003075399.1), dbSNP rs1356287373, ClinGen allele CA362685076.
Genomic context (GRCh38, chr6:7,580,079, plus strand): 5'-CAAAAGGCCTGTGGCTCTGAGATAATGCAGAAGAAGCAGCATCTGGAGATAGAACTGAAG[C>T]AGGTCATGCAGCAGCGCTCTGAGGACAATGCCCGGCACAAGCAGTCCCTGGAGGAGGCTG-3'